The following is an entry in ClinVar:

ClinVar aggregate classification (germline): Uncertain significance. Review status: criteria provided, multiple submitters, no conflicts (2 of 4 stars). 2 submissions from 2 submitters: Uncertain significance (2). Last evaluated 2024-06-16.

Conditions:
Inborn genetic diseases. Identifiers: MedGen C0950123, MeSH D030342.

Allele frequency attached by ClinVar (database versions not stated): gnomAD 0.00001; gnomAD exomes 0.00001; TOPMed 0.00001; ExAC 0.00003.
gnomAD v4.1: 14 of 1,614,008 alleles (0.00087%); highest among the groups gnomAD compares: South Asian, 0.0055%; no homozygotes.

Submissions (2):

Labcorp Genetics (formerly Invitae), Labcorp
Classification: Uncertain significance. Last evaluated: 2024-06-16. Review status: criteria provided, single submitter. Criteria: Invitae Variant Classification Sherloc (09022015). Collection method: clinical testing. Allele origin: germline.
Comment: This sequence change replaces arginine, which is basic and polar, with histidine, which is basic and polar, at codon 342 of the DVL3 protein (p.Arg342His). This variant is present in population databases (rs778265460, gnomAD 0.003%). This variant has not been reported in the literature in individuals affected with DVL3-related conditions. Advanced modeling of protein sequence and biophysical properties (such as structural, functional, and spatial information, amino acid conservation, physicochemical variation, residue mobility, and thermodynamic stability) performed at Invitae indicates that this missense variant is not expected to disrupt DVL3 protein function with a negative predictive value of 80%. Algorithms developed to predict the effect of sequence changes on RNA splicing suggest that this variant may disrupt the consensus splice site. In summary, the available evidence is currently insufficient to determine the role of this variant in disease. Therefore, it has been classified as a Variant of Uncertain Significance.

Ambry Genetics
Classification: Uncertain significance for Inborn genetic diseases. Last evaluated: 2024-02-06. Review status: criteria provided, single submitter. Criteria: Ambry Variant Classification Scheme 2023. Collection method: clinical testing. Allele origin: germline.

NM_004423.4(DVL3):c.1025G>A (p.Arg342His)

Gene: DVL3 (dishevelled segment polarity protein 3; plus strand). Cytogenetic location: 3q27.1.
Variant type: single nucleotide variant.
Coding change: c.1025G>A on transcript NM_004423.4 (MANE Select); coding-DNA position 1025, G replaced by A.
Protein change: p.Arg342His; replaces arginine 342 with histidine.
Molecular consequence: missense variant.
Genome position (GRCh38, 1-based): chr3:184,166,650, G>A. VCF-style: chr3-184166650-G-A. GRCh37 (hg19) VCF-style: chr3-183884438-G-A.
Other names: short protein forms R342H.
Identifiers: ClinVar variation 3086402 (VCV003086402.3), dbSNP rs778265460, ClinGen allele CA2727303.